The following is an entry in ClinVar:

ClinVar aggregate classification (germline): Uncertain significance. Review status: criteria provided, multiple submitters, no conflicts (2 of 4 stars). 3 submissions from 3 submitters: Uncertain significance (3). Last evaluated 2025-04-16.

Conditions:
Ehlers-Danlos syndrome, classic type, 1 (EDSCL1). Also called: EHLERS-DANLOS SYNDROME, GRAVIS TYPE; EHLERS-DANLOS SYNDROME, SEVERE CLASSIC TYPE; Ehlers-Danlos syndrome, type 1; Ehlers-Danlos Syndrome, Classic Type, COL5A1-Related; EDS I. Identifiers: MedGen C0268335, MONDO:0019567, OMIM 130000.

gnomAD v4.1: 7 of 1,614,056 alleles (0.00043%); highest among the groups gnomAD compares: Non-Finnish European, 0.00051%; no homozygotes.

Submissions (3):

Women's Health and Genetics/Laboratory Corporation of America, LabCorp
Classification: Uncertain significance. Last evaluated: 2025-04-16. Review status: criteria provided, single submitter. Criteria: LabCorp Variant Classification Summary - May 2015. Collection method: clinical testing. Allele origin: germline.
Comment: Variant summary: COL5A1 c.2218C>T (p.Pro740Ser) results in a non-conservative amino acid change in the encoded protein sequence. Four of five in-silico tools predict a damaging effect of the variant on protein function. The variant allele was found at a frequency of 4e-06 in 251274 control chromosomes (gnomAD). The available data on variant occurrences in the general population are insufficient to allow any conclusion about variant significance. To our knowledge, no occurrence of c.2218C>T in individuals affected with Ehlers-Danlos syndrome, classic type, Ehlers-Danlos syndrome, classic type, 1 and no experimental evidence demonstrating its impact on protein function have been reported. No submitters have cited clinical-significance assessments for this variant to ClinVar. Based on the evidence outlined above, the variant was classified as uncertain significance.

GeneDx
Classification: Uncertain significance. Last evaluated: 2024-12-15. Review status: criteria provided, single submitter. Criteria: GeneDx Variant Classification Process June 2021. Collection method: clinical testing. Allele origin: germline. Affected: yes.
Comment: Not observed at significant frequency in large population cohorts (gnomAD); In silico analysis supports that this missense variant has a deleterious effect on protein structure/function; Has not been previously published as pathogenic or benign to our knowledge; Occurs in the triple helical domain at the X position in the canonical Gly-X-Y repeat; although this variant may have an effect on normal protein folding and function, missense substitution at the X position is not a common mechanism of disease (PMID: 22696272; HGMD); This variant is associated with the following publications: (PMID: 22696272)

Labcorp Genetics (formerly Invitae), Labcorp
Classification: Uncertain significance for Ehlers-Danlos syndrome, classic type, 1. Last evaluated: 2024-12-15. Review status: criteria provided, single submitter. Criteria: Invitae Variant Classification Sherloc (09022015). Collection method: clinical testing. Allele origin: germline.
Comment: This sequence change replaces proline, which is neutral and non-polar, with serine, which is neutral and polar, at codon 740 of the COL5A1 protein (p.Pro740Ser). This variant is not present in population databases (gnomAD no frequency). This variant has not been reported in the literature in individuals affected with COL5A1-related conditions. Invitae Evidence Modeling of protein sequence and biophysical properties (such as structural, functional, and spatial information, amino acid conservation, physicochemical variation, residue mobility, and thermodynamic stability) indicates that this missense variant is not expected to disrupt COL5A1 protein function with a negative predictive value of 80%. In summary, the available evidence is currently insufficient to determine the role of this variant in disease. Therefore, it has been classified as a Variant of Uncertain Significance.

NM_000093.5(COL5A1):c.2218C>T (p.Pro740Ser)

Gene: COL5A1 (collagen type V alpha 1 chain; plus strand). Cytogenetic location: 9q34.3.
Variant type: single nucleotide variant.
Coding change: c.2218C>T on transcript NM_000093.5 (MANE Select); coding-DNA position 2218, C replaced by T.
Protein change: p.Pro740Ser; replaces proline 740 with serine.
Molecular consequence: missense variant.
Genome position (GRCh38, 1-based): chr9:134,767,340, C>T. VCF-style: chr9-134767340-C-T. GRCh37 (hg19) VCF-style: chr9-137659186-C-T.
Other names: c.2218C>T (NM_000093.3); c.2218C>T, p.Pro740Ser (NM_001278074.1); short protein forms P740S.
Identifiers: ClinVar variation 3730374 (VCV003730374.5).